The following continues an entry in ClinVar:

NM_000059.4(BRCA2):c.7617+1G>A

Gene: BRCA2. ClinVar aggregate classification (germline): Pathogenic. Pathogenic (1).

Submissions 11 to 19 of 19:

GeneDx
Classification: Pathogenic. Last evaluated: 2024-04-08. Review status: criteria provided, single submitter. Criteria: GeneDx Variant Classification Process June 2021. Collection method: clinical testing. Allele origin: germline. Affected: yes. Not counted in ClinVar's aggregate classification.
Comment: Canonical splice site variant demonstrated to result in skipping of exon 15 leading to a null allele in a gene for which loss of function is a known mechanism of disease (PMID: 11389159, 21184276, 24123850); Truncating variants in this gene are considered pathogenic by a well-established clinical consortium and/or database; Not observed at significant frequency in large population cohorts (gnomAD); Also known as 7845+1G>A; This variant is associated with the following publications: (PMID: 26360800, 17301269, 31589614, 33754277, 25525159, 11389159, 23479189, 18712473, 21184276, 21324516, 29093764, 26833046, 29339979, 30720863, 29446198, 30702160, 31191615, 24123850, 35264596)

Baylor Genetics
Classification: Pathogenic for Familial cancer of breast. Last evaluated: 2024-03-18. Review status: criteria provided, single submitter. Criteria: ACMG Guidelines, 2015. Collection method: clinical testing. Allele origin: unknown. Not counted in ClinVar's aggregate classification.

Color Diagnostics, LLC DBA Color Health
Classification: Pathogenic for Hereditary cancer-predisposing syndrome. Last evaluated: 2023-04-04. Review status: criteria provided, single submitter. Criteria: ACMG Guidelines, 2015. Collection method: clinical testing. Allele origin: germline. Not counted in ClinVar's aggregate classification.
Comment: This variant causes a G to A nucleotide substitution at the +1 position of intron 15 of the BRCA2 gene. RNA studies have shown that this variant causes skipping of exon 15, resulting in premature truncation (PMID: 11389159, 21184276, 24123850, 31191615). This variant has been reported in individuals affected with breast/ovarian cancer (PMID: 11389159, 20927582, 21184276, 24123850, 26187060, 26360800, 26833046) or pancreatic cancer (PMID: 12097290, 17301269). This variant has not been identified in the general population by the Genome Aggregation Database (gnomAD). Loss of BRCA2 function is a known mechanism of disease. Based on the available evidence, this variant is classified as Pathogenic.

Mendelics
Classification: Pathogenic for Hereditary breast and ovarian cancer syndrome. Last evaluated: 2018-07-02. Review status: criteria provided, single submitter. Criteria: Mendelics Assertion Criteria 2017. Collection method: clinical testing. Allele origin: unknown. Not counted in ClinVar's aggregate classification.

Department of Medical Genetics, Oslo University Hospital
Classification: Pathogenic for Breast-ovarian cancer, familial, susceptibility to, 2. Last evaluated: 2017-01-20. Review status: criteria provided, single submitter. Criteria: ACMG Guidelines, 2015. Collection method: clinical testing. Allele origin: germline. Affected: yes. Observed: 2 variant alleles. Not counted in ClinVar's aggregate classification.

Consortium of Investigators of Modifiers of BRCA1/2 (CIMBA), c/o University of Cambridge
Classification: Pathogenic for Breast-ovarian cancer, familial, susceptibility to, 2. Last evaluated: 2015-10-02. Review status: criteria provided, single submitter. Criteria: CIMBA Mutation Classification guidelines May 2016. Collection method: clinical testing. Allele origin: germline. Not counted in ClinVar's aggregate classification.

Department of Pathology and Laboratory Medicine, Sinai Health System
Classification: Pathogenic for Hereditary breast ovarian cancer syndrome. Review status: criteria provided, single submitter. Criteria: ACMG Guidelines, 2015. Collection method: clinical testing. Allele origin: germline. Affected: yes. Study: The Canadian Open Genetics Repository (COGR). Not counted in ClinVar's aggregate classification.

BRCAlab, Lund University
Classification: Pathogenic for Breast-ovarian cancer, familial, susceptibility to, 2. Last evaluated: 2020-03-02. Review status: no assertion criteria provided. Collection method: clinical testing. Allele origin: germline. Affected: yes. Not counted in ClinVar's aggregate classification.

Sharing Clinical Reports Project (SCRP)
Classification: Pathogenic for Breast-ovarian cancer, familial 2. Last evaluated: 2011-12-29. Review status: no assertion criteria provided. Collection method: clinical testing. Allele origin: germline. Not counted in ClinVar's aggregate classification.

Literature cited by the submitters: PubMed 24123850 (cited by 4 submitters); PubMed 21184276 (cited by 5 submitters); PubMed 18712473 (cited by 4 submitters); PubMed 11389159 (cited by 3 submitters); PubMed 23479189 (cited by Ambry Genetics and Mayo Clinic Laboratories, Mayo Clinic); PubMed 25525159 (cited by Ambry Genetics); PubMed 26360800 (cited by 3 submitters); PubMed 26833046 (cited by 3 submitters); PubMed 30720863 (cited by Ambry Genetics and Mayo Clinic Laboratories, Mayo Clinic); PubMed 31191615 (cited by 3 submitters); PubMed 29339979 (cited by Mayo Clinic Laboratories, Mayo Clinic); PubMed 29446198 (cited by Mayo Clinic Laboratories, Mayo Clinic); PubMed 31263571 (cited by Mayo Clinic Laboratories, Mayo Clinic); PubMed 33754277 (cited by Mayo Clinic Laboratories, Mayo Clinic); PubMed 12097290 (cited by Color Diagnostics, LLC DBA Color Health); PubMed 17301269 (cited by Color Diagnostics, LLC DBA Color Health); PubMed 20927582 (cited by Color Diagnostics, LLC DBA Color Health); PubMed 26187060 (cited by Color Diagnostics, LLC DBA Color Health).